The following is an entry in ClinVar:

ClinVar aggregate classification (germline): Uncertain significance. Review status: criteria provided, multiple submitters, no conflicts (2 of 4 stars). 3 submissions from 3 submitters: Uncertain significance (3). Last evaluated 2024-09-26.

Conditions:
Inborn genetic diseases. Identifiers: MedGen C0950123, MeSH D030342.
COG7 congenital disorder of glycosylation (CDG2E). Also called: CONGENITAL DISORDER OF GLYCOSYLATION, TYPE IIe; CDG IIe. Identifiers: Orphanet 79333, MedGen C2931010, MONDO:0012118, OMIM 608779.

Allele frequency attached by ClinVar (database versions not stated): gnomAD 0.00004 and 0.00005; gnomAD exomes 0.00004 and 0.00009; TOPMed 0.00006; ExAC 0.00007.
gnomAD v4.1: 59 of 1,602,616 alleles (0.0037%); highest among the groups gnomAD compares: Admixed American, 0.03%; no homozygotes.

Submissions (3):

Ambry Genetics
Classification: Uncertain significance for Inborn genetic diseases. Last evaluated: 2024-09-26. Review status: criteria provided, single submitter. Criteria: Ambry Variant Classification Scheme 2023. Collection method: clinical testing. Allele origin: germline.

Labcorp Genetics (formerly Invitae), Labcorp
Classification: Uncertain significance for COG7 congenital disorder of glycosylation. Last evaluated: 2023-12-11. Review status: criteria provided, single submitter. Criteria: Invitae Variant Classification Sherloc (09022015). Collection method: clinical testing. Allele origin: germline.
Comment: This sequence change replaces threonine, which is neutral and polar, with methionine, which is neutral and non-polar, at codon 463 of the COG7 protein (p.Thr463Met). This variant is present in population databases (rs764153683, gnomAD 0.05%). This variant has not been reported in the literature in individuals affected with COG7-related conditions. ClinVar contains an entry for this variant (Variation ID: 499717). Advanced modeling of protein sequence and biophysical properties (such as structural, functional, and spatial information, amino acid conservation, physicochemical variation, residue mobility, and thermodynamic stability) performed at Invitae indicates that this missense variant is expected to disrupt COG7 protein function with a positive predictive value of 80%. In summary, the available evidence is currently insufficient to determine the role of this variant in disease. Therefore, it has been classified as a Variant of Uncertain Significance.

Eurofins Ntd Llc (ga)
Classification: Uncertain significance. Last evaluated: 2017-01-09. Review status: criteria provided, single submitter. Criteria: EGL Classification Definitions 2015. Collection method: clinical testing. Allele origin: germline. Observed: 1 variant allele, 1 heterozygote.

NM_153603.4(COG7):c.1388C>T (p.Thr463Met)

Gene: COG7 (component of oligomeric golgi complex 7; minus strand). Cytogenetic location: 16p12.2.
Variant type: single nucleotide variant.
Coding change: c.1388C>T on transcript NM_153603.4 (MANE Select); coding-DNA position 1388, C replaced by T.
Protein change: p.Thr463Met; replaces threonine 463 with methionine.
Molecular consequence: missense variant.
Genome position (GRCh38, 1-based): chr16:23,413,469, G>A on the plus strand (C>T on the coding strand, the complement: COG7 is on the minus strand). VCF-style: chr16-23413469-G-A. GRCh37 (hg19) VCF-style: chr16-23424790-G-A.
Other names: short protein forms T463M.
Identifiers: ClinVar variation 499717 (VCV000499717.13), dbSNP rs764153683, ClinGen allele CA7961005.